The following is an entry in ClinVar:

NM_001036.6(RYR3):c.821G>T (p.Ser274Ile)

Gene: RYR3 (ryanodine receptor 3; plus strand). Cytogenetic location: 15q14.
Variant type: single nucleotide variant.
Coding change: c.821G>T on transcript NM_001036.6 (MANE Select); coding-DNA position 821, G replaced by T.
Protein change: p.Ser274Ile; replaces serine 274 with isoleucine.
Molecular consequence: missense variant.
Genome position (GRCh38, 1-based): chr15:33,550,165, G>T. VCF-style: chr15-33550165-G-T. GRCh37 (hg19) VCF-style: chr15-33842366-G-T.
Other names: c.821G>T, p.Ser274Ile (NM_001243996.4); short protein forms S274I.
Identifiers: ClinVar variation 1042774 (VCV001042774.8), dbSNP rs2056571810, ClinGen allele CA391562377.
Genomic context (GRCh38, chr15:33,550,165, plus strand): 5'-TGAAAAGGACTTATTTTTGTATAAATGCAATTTCTTGTCTGTTTCATCTGCCCAGCTGGA[G>T]TGGCAGTAACATCAGATGGGGCCAGGCTTTCCGACTCCGGCATCTCACCACAGGCCACTA-3'
Protein context (NP_001027.3, residues 264-284): WRVEPLRISW[Ser274Ile]GSNIRWGQAF

ClinVar aggregate classification (germline): Uncertain significance (1 of 4 stars; one submission).

Conditions:
Epileptic encephalopathy. Identifiers: MedGen C0543888, HP:0200134.

Submission:

Labcorp Genetics (formerly Invitae), Labcorp
Classification: Uncertain significance for Epileptic encephalopathy. Last evaluated: 2020-06-09. Review status: criteria provided, single submitter. Criteria: Invitae Variant Classification Sherloc (09022015). Collection method: clinical testing. Allele origin: germline.
Comment: This sequence change replaces serine with isoleucine at codon 274 of the RYR3 protein (p.Ser274Ile). The serine residue is highly conserved and there is a large physicochemical difference between serine and isoleucine. This variant is not present in population databases (ExAC no frequency). This variant has not been reported in the literature in individuals with RYR3-related conditions. Algorithms developed to predict the effect of missense changes on protein structure and function are either unavailable or do not agree on the potential impact of this missense change (SIFT: "Deleterious"; PolyPhen-2: "Probably Damaging"; Align-GVGD: "Class C0"). In summary, the available evidence is currently insufficient to determine the role of this variant in disease. Therefore, it has been classified as a Variant of Uncertain Significance.